The following is an entry in ClinVar:

ClinVar aggregate classification (germline): Pathogenic (1 of 4 stars; one submission).

Submission:

Labcorp Genetics (formerly Invitae), Labcorp
Classification: Pathogenic. Last evaluated: 2020-06-04. Review status: criteria provided, single submitter. Criteria: Invitae Variant Classification Sherloc (09022015). Collection method: clinical testing. Allele origin: germline.
Comment: This variant has not been reported in the literature in individuals with SLC12A6-related conditions. This sequence change creates a premature translational stop signal (p.Lys131*) in the SLC12A6 gene. It is expected to result in an absent or disrupted protein product. This variant is not present in population databases (ExAC no frequency). Loss-of-function variants in SLC12A6 are known to be pathogenic (PMID: 12368912, 16606917). For these reasons, this variant has been classified as Pathogenic.

Literature cited by the submitters: PubMed 12368912; PubMed 16606917.

NM_001365088.1(SLC12A6):c.390dup (p.Lys131Ter)

Gene: SLC12A6 (solute carrier family 12 member 6; minus strand). Cytogenetic location: 15q14.
Variant type: Duplication.
Coding change: c.390dup on transcript NM_001365088.1 (MANE Select); coding-DNA position 390, one base duplicated (T; older notation c.390dupT).
Protein change: p.Lys131Ter; replaces lysine 131 with a stop codon.
Molecular consequence: nonsense.
Genome position (GRCh38, 1-based): chr15:34,260,947, A duplicated on the plus strand (T on the coding strand, the reverse complement: SLC12A6 is on the minus strand). VCF-style (leftmost placement, unchanged base first): chr15-34260946-T-TA. GRCh37 (hg19) VCF-style: chr15-34553147-T-TA.
Other names: c.213dup, p.Lys72Ter (NM_001042494.2, NM_001042495.2); c.363dup, p.Lys122Ter (NM_001042496.2); c.345dup, p.Lys116Ter (NM_001042497.2); c.237dup, p.Lys80Ter (NM_005135.2); c.390dup, p.Lys131Ter (NM_133647.2); short protein forms K116*, K122*, K131*, K72*, K80*.
Identifiers: ClinVar variation 1076707 (VCV001076707.7), dbSNP rs2140777637, ClinGen allele CA2499222890.